The following is an entry in ClinVar:

ClinVar aggregate classification (germline): Uncertain significance (1 of 4 stars; one submission).

Conditions:
Generalized epilepsy with febrile seizures plus, type 7 (GEFSP7). Also called: GEFS+, TYPE 7. Identifiers: Orphanet 36387, MedGen C2751778, MONDO:0013470, OMIM 613863.
Neuropathy, hereditary sensory and autonomic, type 2A (HSAN2A). Also called: HSAN IIA; WNK1-Related HSAN2 (HSAN2A); MORVAN DISEASE; NEUROPATHY, CONGENITAL SENSORY; NEUROPATHY, HEREDITARY SENSORY RADICULAR, AUTOSOMAL RECESSIVE; NEUROPATHY, HEREDITARY SENSORY, TYPE IIA. Identifiers: Orphanet 970, MedGen C2752089, MONDO:0024309, OMIM 201300.

Allele frequency attached by ClinVar (database versions not stated): gnomAD exomes below 0.00001 and 0.00001; gnomAD 0.00002; TOPMed 0.00002; ESP Exome Variant Server 0.00008.
gnomAD v4.1: 5 of 1,579,480 alleles (0.00032%); highest among the groups gnomAD compares: Non-Finnish European, 0.00043%; no homozygotes.

Submission:

Labcorp Genetics (formerly Invitae), Labcorp
Classification: Uncertain significance for Neuropathy, hereditary sensory and autonomic, type 2A; Generalized epilepsy with febrile seizures plus, type 7. Last evaluated: 2022-10-17. Review status: criteria provided, single submitter. Criteria: Invitae Variant Classification Sherloc (09022015). Collection method: clinical testing. Allele origin: germline.
Comment: This sequence change replaces glutamine, which is neutral and polar, with glutamic acid, which is acidic and polar, at codon 369 of the SCN9A protein (p.Gln369Glu). The frequency data for this variant in the population databases is considered unreliable, as metrics indicate poor data quality at this position in the gnomAD database. This variant has not been reported in the literature in individuals affected with SCN9A-related conditions. ClinVar contains an entry for this variant (Variation ID: 1498279). Algorithms developed to predict the effect of missense changes on protein structure and function are either unavailable or do not agree on the potential impact of this missense change (SIFT: "Tolerated"; PolyPhen-2: "Possibly Damaging"; Align-GVGD: "Class C0"). In summary, the available evidence is currently insufficient to determine the role of this variant in disease. Therefore, it has been classified as a Variant of Uncertain Significance.

NM_001365536.1(SCN9A):c.1105C>G (p.Gln369Glu)

Genes: SCN1A-AS1 (SCN1A and SCN9A antisense RNA 1; plus strand), SCN9A (sodium voltage-gated channel alpha subunit 9; minus strand). Cytogenetic location: 2q24.3.
Variant type: single nucleotide variant.
Coding change: c.1105C>G on transcript NM_001365536.1 (MANE Select); coding-DNA position 1105, C replaced by G.
Protein change: p.Gln369Glu; replaces glutamine 369 with glutamic acid.
Molecular consequence: missense variant.
Genome position (GRCh38, 1-based): chr2:166,293,233, G>C on the plus strand (C>G on the coding strand, the complement: SCN9A is on the minus strand). VCF-style: chr2-166293233-G-C. GRCh37 (hg19) VCF-style: chr2-167149743-G-C.
Other names: c.1105C>G, p.Gln369Glu (NM_002977.4); short protein forms Q369E.
Identifiers: ClinVar variation 1498279 (VCV001498279.8), dbSNP rs370063646, ClinGen allele CA1944599.